The following is an entry in ClinVar:

ClinVar aggregate classification (germline): Pathogenic (1 of 4 stars; one submission).

Submission:

GeneDx
Classification: Pathogenic. Last evaluated: 2014-07-08. Review status: criteria provided, single submitter. Criteria: GeneDx Variant Classification (06012015). Collection method: clinical testing. Allele origin: germline. Affected: yes.
Comment: Although the c.3112_3129delinsCA variant in the KCNH2 gene has not been reported to our knowledge, this variant causes a shift in reading frame starting at codon Valine 1038, changing it to a Glutamine, and creating a premature stop codon at position 14 of the new reading frame, denoted p.Val1038GlnfsX14. This variant is expected to result in either an abnormal, truncated protein product or loss of protein from this allele through nonsense-mediated mRNA decay. Other frameshift variants in the KCNH2 gene have been reported in association with LQTS. In summary, c.3112_3129delinsCA in the KCNH2 gene is interpreted as a pathogenic variant.

NM_000238.4(KCNH2):c.3112_3129delinsCA (p.Val1038fs)

Gene: KCNH2 (potassium voltage-gated channel subfamily H member 2; minus strand). Cytogenetic location: 7q36.1.
Variant type: Indel.
Coding change: c.3112_3129delinsCA on transcript NM_000238.4 (MANE Select); coding-DNA positions 3112 to 3129, GTGGAGAGCAGGCTGGAT replaced by CA.
Protein change: p.Val1038fs; shifts the reading frame from valine 1038.
Molecular consequence: frameshift variant.
Genome position (GRCh38, 1-based): chr7:150,947,351-150,947,368, ATCCAGCCTGCTCTCCAC replaced by TG on the plus strand (GTGGAGAGCAGGCTGGAT replaced by CA on the coding strand, the reverse complement: KCNH2 is on the minus strand). VCF-style: chr7-150947351-ATCCAGCCTGCTCTCCAC-TG. GRCh37 (hg19) VCF-style: chr7-150644439-ATCCAGCCTGCTCTCCAC-TG.
Other names: c.2092_2109delinsCA, p.Val698fs (NM_172057.3); short protein forms V1038fs, V698fs.
Identifiers: ClinVar variation 200707 (VCV000200707.2), dbSNP rs794728471, ClinGen allele CA007983.